The following is an entry in ClinVar:

ClinVar aggregate classification (germline): Uncertain significance (1 of 4 stars; one submission).

Allele frequency attached by ClinVar (database versions not stated): gnomAD exomes below 0.00001.
gnomAD v4.1: 2 of 1,614,196 alleles (0.00012%); highest among the groups gnomAD compares: Non-Finnish European, 0.00017%; no homozygotes.

Submission:

GeneDx
Classification: Uncertain significance. Last evaluated: 2022-11-10. Review status: criteria provided, single submitter. Criteria: GeneDx Variant Classification Process June 2021. Collection method: clinical testing. Allele origin: germline. Affected: yes.
Comment: In silico analysis supports that this missense variant has a deleterious effect on protein structure/function; Has not been previously published as pathogenic or benign to our knowledge

NM_006245.4(PPP2R5D):c.853T>C (p.Tyr285His)

Gene: PPP2R5D (protein phosphatase 2 regulatory subunit B'delta; plus strand). Cytogenetic location: 6p21.1.
Variant type: single nucleotide variant.
Coding change: c.853T>C on transcript NM_006245.4 (MANE Select); coding-DNA position 853, T replaced by C.
Protein change: p.Tyr285His; replaces tyrosine 285 with histidine.
Molecular consequence: missense variant.
Genome position (GRCh38, 1-based): chr6:43,008,061, T>C. VCF-style: chr6-43008061-T-C. GRCh37 (hg19) VCF-style: chr6-42975799-T-C.
Other names: c.400T>C, p.Tyr134His (NM_001270476.2); c.757T>C, p.Tyr253His (NM_180976.3); c.535T>C, p.Tyr179His (NM_180977.3); short protein forms Y134H, Y179H, Y253H, Y285H.
Identifiers: ClinVar variation 2501958 (VCV002501958.1), dbSNP rs1178737190, ClinGen allele CA364190265.
Genomic context (GRCh38, chr6:43,008,061, plus strand): 5'-ATCTATGGCAAGTTTTTGGGGCTCCGGGCTTATATCCGTAGGCAGATCAACCACATCTTC[T>C]ACAGGTGAGGCCAGGAGCCCAGGCTTAGGAGCAAAACCTTCTGCTACTGAGGTGGGGTGG-3'
Protein context (NP_006236.1, residues 275-295): YIRRQINHIF[Tyr285His]RFIYETEHHN